The following is an entry in ClinVar:

ClinVar aggregate classification (germline): Uncertain significance (1 of 4 stars; one submission).

Conditions:
ADCY3-related disorder. Also called: ADCY3-related condition.

gnomAD v4.1: 6 of 1,613,836 alleles (0.00037%); highest among the groups gnomAD compares: African/African-American, 0.008%; no homozygotes.

Submission:

PreventionGenetics, part of Exact Sciences
Classification: Uncertain significance for ADCY3-related condition. Last evaluated: 2026-06-06. Review status: criteria provided, single submitter. Criteria: ACMG Guidelines, 2015. Collection method: clinical testing. Allele origin: germline.
Comment: The ADCY3 c.1494G>T variant is predicted to result in the amino acid substitution p.Glu498Asp. To our knowledge, this variant has not been reported in the literature. This variant is reported in 0.012% of alleles in individuals of African descent in gnomAD. At this time, the clinical significance of this variant is uncertain due to the absence of conclusive functional and genetic evidence.

NM_004036.5(ADCY3):c.1494G>T (p.Glu498Asp)

Gene: ADCY3 (adenylate cyclase 3; minus strand). Cytogenetic location: 2p23.3.
Variant type: single nucleotide variant.
Coding change: c.1494G>T on transcript NM_004036.5 (MANE Select); coding-DNA position 1494, G replaced by T.
Protein change: p.Glu498Asp; replaces glutamic acid 498 with aspartic acid.
Molecular consequence: missense variant.
Genome position (GRCh38, 1-based): chr2:24,838,484, C>A on the plus strand (G>T on the coding strand, the complement: ADCY3 is on the minus strand). VCF-style: chr2-24838484-C-A. GRCh37 (hg19) VCF-style: chr2-25061353-C-A.
Other names: c.1494G>T, p.Glu498Asp (NM_001320613.2, NM_001377129.1, NM_001377130.1 and 1 more transcripts); c.1560G>T, p.Glu520Asp (NM_001377128.1); c.771G>T, p.Glu257Asp (NM_001377131.1); short protein forms E257D, E498D, E520D.
Identifiers: ClinVar variation 3354311 (VCV003354311.2).